The following is an entry in ClinVar:

ClinVar aggregate classification (germline): Uncertain significance. Review status: criteria provided, multiple submitters, no conflicts (2 of 4 stars). 4 submissions from 4 submitters: Uncertain significance (4). Last evaluated 2025-11-26.

Conditions:
Spastic paraplegia. Identifiers: MedGen C0037772, HP:0001258.
Inborn genetic diseases. Identifiers: MedGen C0950123, MeSH D030342.

Allele frequency attached by ClinVar (database versions not stated): gnomAD 0.00001; gnomAD exomes 0.00001 and 0.00002; TOPMed 0.00002; ExAC 0.00003; ESP Exome Variant Server 0.00008.
gnomAD v4.1: 24 of 1,614,074 alleles (0.0015%); highest among the groups gnomAD compares: East Asian, 0.025%; no homozygotes.

Submissions (4):

GeneDx
Classification: Uncertain significance. Last evaluated: 2025-11-26. Review status: criteria provided, single submitter. Criteria: GeneDx Variant Classification Process June 2021. Collection method: clinical testing. Allele origin: germline.
Comment: In silico analysis suggests that this missense variant does not alter protein structure/function; Has not been previously published as pathogenic or benign to our knowledge

Labcorp Genetics (formerly Invitae), Labcorp
Classification: Uncertain significance for Spastic paraplegia. Last evaluated: 2025-08-21. Review status: criteria provided, single submitter. Criteria: Invitae Variant Classification Sherloc (09022015). Collection method: clinical testing. Allele origin: germline.
Comment: This sequence change replaces glycine, which is neutral and non-polar, with aspartic acid, which is acidic and polar, at codon 1153 of the ZFYVE26 protein (p.Gly1153Asp). The frequency data for this variant in the population databases is considered unreliable, as metrics indicate poor data quality at this position in the gnomAD database. This variant has not been reported in the literature in individuals affected with ZFYVE26-related conditions. ClinVar contains an entry for this variant (Variation ID: 1010448). An algorithm developed to predict the effect of missense changes on protein structure and function (PolyPhen-2) suggests that this variant is likely to be disruptive. In summary, the available evidence is currently insufficient to determine the role of this variant in disease. Therefore, it has been classified as a Variant of Uncertain Significance.

Ambry Genetics
Classification: Uncertain significance for Inborn genetic diseases. Last evaluated: 2024-07-10. Review status: criteria provided, single submitter. Criteria: Ambry Variant Classification Scheme 2023. Collection method: clinical testing. Allele origin: germline.

Blueprint Genetics
Classification: Uncertain significance. Last evaluated: 2020-10-14. Review status: criteria provided, single submitter. Criteria: ACMG Guidelines, 2015. Collection method: clinical testing. Allele origin: germline.

NM_015346.4(ZFYVE26):c.3458G>A (p.Gly1153Asp)

Gene: ZFYVE26 (zinc finger FYVE-type containing 26; minus strand). Cytogenetic location: 14q24.1.
Variant type: single nucleotide variant.
Coding change: c.3458G>A on transcript NM_015346.4 (MANE Select); coding-DNA position 3458, G replaced by A.
Protein change: p.Gly1153Asp; replaces glycine 1153 with aspartic acid.
Molecular consequence: missense variant.
Genome position (GRCh38, 1-based): chr14:67,785,124, C>T on the plus strand (G>A on the coding strand, the complement: ZFYVE26 is on the minus strand). VCF-style: chr14-67785124-C-T. GRCh37 (hg19) VCF-style: chr14-68251841-C-T.
Other names: c.3458G>A (NM_015346.3); short protein forms G1153D.
Identifiers: ClinVar variation 1010448 (VCV001010448.6), dbSNP rs199845933, ClinGen allele CA7239988.